The following is an entry in ClinVar:

ClinVar aggregate classification (germline): Uncertain significance (1 of 4 stars; one submission).

Conditions:
Thrombomodulin-related bleeding disorder (THPH12). Also called: Thrombophilia due to thrombomodulin defect. Identifiers: Orphanet 436169, MedGen C3280976, MONDO:0013775, OMIM 614486.

Submission:

Genomenon, Inc
Classification: Uncertain significance for Thrombomodulin-related bleeding disorder. Last evaluated: 2025-09-22. Review status: criteria provided, single submitter. Criteria: Genomenon Sequence Variant Interpretation Standards - Updated. Collection method: curation. Allele origin: germline. Affected: no.
Comment: THBD p.Cys455Arg (c.1363T>C) is a missense variant that changes the amino acid at residue 455 from Cysteine to Arginine. This variant has been reported in the published literature (PMID:36440039). It is absent or not present at a significant frequency in gnomAD. In silico models agree that this variant is possibly or probably damaging. In conclusion, we classify THBD p.Cys455Arg (c.1363T>C) as a variant of unknown significance.

Literature cited by the submitters: PubMed 36440039.

NM_000361.3(THBD):c.1363T>C (p.Cys455Arg)

Gene: THBD (thrombomodulin; minus strand). Cytogenetic location: 20p11.21.
Variant type: single nucleotide variant.
Coding change: c.1363T>C on transcript NM_000361.3 (MANE Select); coding-DNA position 1363, T replaced by C.
Protein change: p.Cys455Arg; replaces cysteine 455 with arginine.
Molecular consequence: missense variant.
Genome position (GRCh38, 1-based): chr20:23,048,142, A>G on the plus strand (T>C on the coding strand, the complement: THBD is on the minus strand). VCF-style: chr20-23048142-A-G. GRCh37 (hg19) VCF-style: chr20-23028779-A-G.
Other names: short protein forms C455R.
Identifiers: ClinVar variation 4280409 (VCV004280409.1).